The following is an entry in ClinVar:

NM_000185.4(SERPIND1):c.23T>G (p.Leu8Arg)

Genes: PI4KA (phosphatidylinositol 4-kinase alpha; minus strand), SERPIND1 (serpin family D member 1; plus strand). Cytogenetic location: 22q11.21.
Variant type: single nucleotide variant.
Coding change: c.23T>G on transcript NM_000185.4 (MANE Select); coding-DNA position 23, T replaced by G.
Protein change: p.Leu8Arg; replaces leucine 8 with arginine.
Molecular consequence: missense variant. On other transcripts: intron variant (3).
Genome position (GRCh38, 1-based): chr22:20,779,335, T>G. VCF-style: chr22-20779335-T-G. GRCh37 (hg19) VCF-style: chr22-21133623-T-G.
Other names: c.2263-13642A>C (NM_001362863.2); c.2329-13642A>C (NM_001362862.2, NM_058004.4); short protein forms L8R.
Identifiers: ClinVar variation 3572739 (VCV003572739.1).

ClinVar aggregate classification (germline): Uncertain significance (1 of 4 stars; one submission).

gnomAD v4.1: 1 of 1,614,204 alleles (0.000062%); highest among the groups gnomAD compares: South Asian, 0.0011%; no homozygotes.

Submission:

GeneDx
Classification: Uncertain significance. Last evaluated: 2024-07-11. Review status: criteria provided, single submitter. Criteria: GeneDx Variant Classification Process June 2021. Collection method: clinical testing. Allele origin: germline. Affected: yes.
Comment: Not observed at significant frequency in large population cohorts (gnomAD); In silico analysis indicates that this missense variant does not alter protein structure/function; Has not been previously published as pathogenic or benign to our knowledge